The following is an entry in ClinVar:

ClinVar aggregate classification (germline): Uncertain significance (1 of 4 stars; one submission).

Conditions:
Intellectual developmental disorder, X-linked, syndromic, Turner type. Also called: X-linked intellectual disability, Turner type; Intellectual disability, X-linked syndromic, Turner type. Identifiers: Orphanet 3056, Orphanet 85328, MedGen C2678046, MONDO:0010407, OMIM 309590.

gnomAD v4.1: 3 of 1,208,656 alleles (0.00025%); highest among the groups gnomAD compares: Admixed American, 0.0065%; no homozygotes.

Submission:

Laboratorio de Genetica e Diagnostico Molecular, Hospital Israelita Albert Einstein
Classification: Uncertain significance for Intellectual developmental disorder, X-linked, syndromic, Turner type. Last evaluated: 2024-12-24. Review status: criteria provided, single submitter. Criteria: ACMG Guidelines, 2015. Collection method: clinical testing. Allele origin: germline. Affected: yes.
Comment: ACMG classification criteria: PM2 supporting, PP2 supporting, BP4 supporting

NM_031407.7(HUWE1):c.2872A>G (p.Asn958Asp)

Gene: HUWE1 (HECT, UBA and WWE domain containing E3 ubiquitin protein ligase 1; minus strand). Cytogenetic location: Xp11.22.
Variant type: single nucleotide variant.
Coding change: c.2872A>G on transcript NM_031407.7 (MANE Select); coding-DNA position 2872, A replaced by G.
Protein change: p.Asn958Asp; replaces asparagine 958 with aspartic acid.
Molecular consequence: missense variant.
Genome position (GRCh38, 1-based): chrX:53,603,372, T>C on the plus strand (A>G on the coding strand, the complement: HUWE1 is on the minus strand). VCF-style: chrX-53603372-T-C. GRCh37 (hg19) VCF-style: chrX-53630333-T-C.
Other names: short protein forms N958D.
Identifiers: ClinVar variation 4056772 (VCV004056772.1).